The following is an entry in ClinVar:

ClinVar aggregate classification (germline): Uncertain significance (1 of 4 stars; one submission).

Conditions:
Cardiovascular phenotype. Identifiers: MedGen CN230736.

Submission:

Ambry Genetics
Classification: Uncertain significance for Cardiovascular phenotype. Last evaluated: 2026-05-28. Review status: criteria provided, single submitter. Criteria: Ambry Variant Classification Scheme 2023. Collection method: clinical testing. Allele origin: germline.
Comment: The p.T753I variant (also known as c.2258C>T), located in coding exon 15 of the GAA gene, results from a C to T substitution at nucleotide position 2258. The threonine at codon 753 is replaced by isoleucine, an amino acid with similar properties. This amino acid position is conserved. In addition, this alteration is predicted to be deleterious by in silico analysis. Based on the available evidence, the clinical significance of this variant remains unclear.

NM_000152.5(GAA):c.2258C>T (p.Thr753Ile)

Gene: GAA (alpha glucosidase; plus strand). Cytogenetic location: 17q25.3.
Variant type: single nucleotide variant.
Coding change: c.2258C>T on transcript NM_000152.5 (MANE Select); coding-DNA position 2258, C replaced by T.
Protein change: p.Thr753Ile; replaces threonine 753 with isoleucine.
Molecular consequence: missense variant.
Genome position (GRCh38, 1-based): chr17:80,117,036, C>T. VCF-style: chr17-80117036-C-T. GRCh37 (hg19) VCF-style: chr17-78090835-C-T.
Other names: c.2258C>T, p.Thr753Ile (NM_001079803.3, NM_001079804.3, NM_001406741.1 and 1 more transcripts); short protein forms T753I.
Identifiers: ClinVar variation 4871614 (VCV004871614.1).